The following is an entry in ClinVar:

NM_000426.4(LAMA2):c.1775G>T (p.Gly592Val)

Gene: LAMA2 (laminin subunit alpha 2; plus strand). Cytogenetic location: 6q22.33.
Variant type: single nucleotide variant.
Coding change: c.1775G>T on transcript NM_000426.4 (MANE Select); coding-DNA position 1775, G replaced by T.
Protein change: p.Gly592Val; replaces glycine 592 with valine.
Molecular consequence: missense variant.
Genome position (GRCh38, 1-based): chr6:129,192,846, G>T. VCF-style: chr6-129192846-G-T. GRCh37 (hg19) VCF-style: chr6-129513991-G-T.
Other names: c.1775G>T, p.Gly592Val (NM_001079823.2); short protein forms G592V.
Identifiers: ClinVar variation 861727 (VCV000861727.7), dbSNP rs1348031989, ClinGen allele CA365608436.

ClinVar aggregate classification (germline): Uncertain significance (1 of 4 stars; one submission).

Conditions:
LAMA2-related muscular dystrophy (LAMA2-RD). Also called: Laminin alpha 2-related dystrophy. Identifiers: MedGen C5679788, MONDO:0100228.

Submission:

Labcorp Genetics (formerly Invitae), Labcorp
Classification: Uncertain significance for LAMA2-related muscular dystrophy. Last evaluated: 2021-08-27. Review status: criteria provided, single submitter. Criteria: Invitae Variant Classification Sherloc (09022015). Collection method: clinical testing. Allele origin: germline.
Comment: This sequence change replaces glycine with valine at codon 592 of the LAMA2 protein (p.Gly592Val). The glycine residue is moderately conserved and there is a moderate physicochemical difference between glycine and valine. This variant is not present in population databases (ExAC no frequency). This variant has not been reported in the literature in individuals affected with LAMA2-related conditions. Algorithms developed to predict the effect of missense changes on protein structure and function are either unavailable or do not agree on the potential impact of this missense change (SIFT: "Tolerated"; PolyPhen-2: "Probably Damaging"; Align-GVGD: "Class C0"). Algorithms developed to predict the effect of sequence changes on RNA splicing suggest that this variant may create or strengthen a splice site. In summary, the available evidence is currently insufficient to determine the role of this variant in disease. Therefore, it has been classified as a Variant of Uncertain Significance.